The following is an entry in ClinVar:

ClinVar aggregate classification (germline): Likely pathogenic. Review status: criteria provided, multiple submitters, no conflicts (2 of 4 stars). 2 submissions from 2 submitters: Likely pathogenic (2). Last evaluated 2024-08-15.

Conditions:
Combined oxidative phosphorylation defect type 20. Also called: Combined oxidative phosphorylation deficiency 20. Identifiers: Orphanet 420728, MedGen C4014660, MONDO:0014397, OMIM 615917.

Allele frequency attached by ClinVar (database versions not stated): gnomAD exomes 0.00001; ExAC 0.00003.
gnomAD v4.1: 19 of 1,610,532 alleles (0.0012%); highest among the groups gnomAD compares: Non-Finnish European, 0.0016%; no homozygotes.

Submissions (2):

Labcorp Genetics (formerly Invitae), Labcorp
Classification: Likely pathogenic. Last evaluated: 2024-08-15. Review status: criteria provided, single submitter. Criteria: Invitae Variant Classification Sherloc (09022015). Collection method: clinical testing. Allele origin: germline.
Comment: This sequence change affects an acceptor splice site in intron 15 of the VARS2 gene. It is expected to disrupt RNA splicing. Variants that disrupt the donor or acceptor splice site typically lead to a loss of protein function (PMID: 16199547), and loss-of-function variants in VARS2 are known to be pathogenic (PMID: 29313548). This variant is present in population databases (no rsID available, gnomAD 0.004%). This variant has not been reported in the literature in individuals affected with VARS2-related conditions. ClinVar contains an entry for this variant (Variation ID: 2577131). Algorithms developed to predict the effect of sequence changes on RNA splicing suggest that this variant may disrupt the consensus splice site. In summary, the currently available evidence indicates that the variant is pathogenic, but additional data are needed to prove that conclusively. Therefore, this variant has been classified as Likely Pathogenic.

Women's Health and Genetics/Laboratory Corporation of America, LabCorp
Classification: Likely pathogenic for Combined oxidative phosphorylation defect type 20. Last evaluated: 2023-07-28. Review status: criteria provided, single submitter. Criteria: LabCorp Variant Classification Summary - May 2015. Collection method: clinical testing. Allele origin: germline.
Comment: Variant summary: VARS2 c.1480-2A>G is located in a canonical splice-site and is predicted to affect mRNA splicing resulting in a significantly altered protein due to either exon skipping, shortening, or inclusion of intronic material. Several computational tools predict a significant impact on normal splicing: Four predict the variant abolishes the canonical 3' acceptor site. However, these predictions have yet to be confirmed by functional studies. The variant allele was found at a frequency of 1.6e-05 in 247708 control chromosomes (gnomAD). To our knowledge, no occurrence of c.1480-2A>G in individuals affected with Combined Oxidative Phosphorylation Defect Type 20 and no experimental evidence demonstrating its impact on protein function have been reported. No submitters have cited clinical-significance assessments for this variant to ClinVar after 2014. Based on the evidence outlined above, the variant was classified as likely pathogenic.

Literature cited by the submitters: PubMed 16199547 (cited by Labcorp Genetics (formerly Invitae), Labcorp); PubMed 29313548 (cited by Labcorp Genetics (formerly Invitae), Labcorp).

NM_020442.6(VARS2):c.1480-2A>G

Gene: VARS2 (valyl-tRNA synthetase 2, mitochondrial; plus strand). Cytogenetic location: 6p21.33.
Variant type: single nucleotide variant.
Coding change: c.1480-2A>G on transcript NM_020442.6 (MANE Select); the canonical splice acceptor site of the intron before coding-DNA position 1480, A replaced by G.
Molecular consequence: splice acceptor variant.
Genome position (GRCh38, 1-based): chr6:30,921,063, A>G. VCF-style: chr6-30921063-A-G. GRCh37 (hg19) VCF-style: chr6-30888840-A-G.
Other names: c.1570-2A>G (NM_001167734.2); c.1060-2A>G (NM_001167733.3).
Identifiers: ClinVar variation 2577131 (VCV002577131.3), dbSNP rs1554268192, ClinGen allele CA3705930.
Genomic context (GRCh38, chr6:30,921,063, plus strand): 5'-TATCTGTGGAGGTGCGGCCGTGCAGGAAGGGCAACATTGTCTAAAGTCCCCTTTCTCTCC[A>G]GGCTGTGGAGTCGGGGGCCCTGGAGCTCAGTCCCTCCTTCCACCAGAAGAACTGGCAGCA-3'